The following is an entry in ClinVar:

ClinVar aggregate classification (germline): Uncertain significance. Review status: criteria provided, multiple submitters, no conflicts (2 of 4 stars). 4 submissions from 4 submitters: Uncertain significance (4). Last evaluated 2024-08-27.

Conditions:
Inborn genetic diseases. Identifiers: MedGen C0950123, MeSH D030342.

Allele frequency attached by ClinVar (database versions not stated): TOPMed 0.00003; gnomAD 0.00004 and 0.00005.

Submissions (4):

Blueprint Genetics
Classification: Uncertain significance. Last evaluated: 2024-08-27. Review status: criteria provided, single submitter. Criteria: ACMG Guidelines, 2015. Collection method: clinical testing. Allele origin: germline.

GeneDx
Classification: Uncertain significance. Last evaluated: 2024-05-15. Review status: criteria provided, single submitter. Criteria: GeneDx Variant Classification Process June 2021. Collection method: clinical testing. Allele origin: germline. Affected: yes.
Comment: In silico analysis supports that this missense variant has a deleterious effect on protein structure/function; Has not been previously published as pathogenic or benign to our knowledge

Labcorp Genetics (formerly Invitae), Labcorp
Classification: Uncertain significance. Last evaluated: 2022-03-09. Review status: criteria provided, single submitter. Criteria: Invitae Variant Classification Sherloc (09022015). Collection method: clinical testing. Allele origin: germline.
Comment: This sequence change replaces proline, which is neutral and non-polar, with serine, which is neutral and polar, at codon 57 of the LHFPL5 protein (p.Pro57Ser). In summary, the available evidence is currently insufficient to determine the role of this variant in disease. Therefore, it has been classified as a Variant of Uncertain Significance. Algorithms developed to predict the effect of missense changes on protein structure and function are either unavailable or do not agree on the potential impact of this missense change (SIFT: "Tolerated"; PolyPhen-2: "Probably Damaging"; Align-GVGD: "Class C0"). This variant has not been reported in the literature in individuals affected with LHFPL5-related conditions. This variant is present in population databases (rs771631412, gnomAD 0.03%).

Ambry Genetics
Classification: Uncertain significance for Inborn genetic diseases. Last evaluated: 2022-01-10. Review status: criteria provided, single submitter. Criteria: Ambry Variant Classification Scheme 2023. Collection method: clinical testing. Allele origin: germline.

NM_182548.4(LHFPL5):c.169C>T (p.Pro57Ser)

Gene: LHFPL5 (LHFPL tetraspan subfamily member 5; plus strand). Cytogenetic location: 6p21.31.
Variant type: single nucleotide variant.
Coding change: c.169C>T on transcript NM_182548.4 (MANE Select); coding-DNA position 169, C replaced by T.
Protein change: p.Pro57Ser; replaces proline 57 with serine.
Molecular consequence: missense variant.
Genome position (GRCh38, 1-based): chr6:35,805,839, C>T. VCF-style: chr6-35805839-C-T. GRCh37 (hg19) VCF-style: chr6-35773616-C-T.
Other names: c.169C>T (NM_182548.3); short protein forms P57S.
Identifiers: ClinVar variation 1429467 (VCV001429467.9), dbSNP rs771631412, ClinGen allele CA3774347.